The following is an entry in ClinVar:

NM_004656.4(BAP1):c.1642C>G (p.Arg548Gly)

Gene: BAP1 (BRCA1 associated deubiquitinase 1; minus strand). Cytogenetic location: 3p21.1.
Variant type: single nucleotide variant.
Coding change: c.1642C>G on transcript NM_004656.4 (MANE Select); coding-DNA position 1642, C replaced by G.
Protein change: p.Arg548Gly; replaces arginine 548 with glycine.
Molecular consequence: missense variant.
Genome position (GRCh38, 1-based): chr3:52,403,503, G>C on the plus strand (C>G on the coding strand, the complement: BAP1 is on the minus strand). VCF-style: chr3-52403503-G-C. GRCh37 (hg19) VCF-style: chr3-52437519-G-C.
Other names: short protein forms R548G.
Identifiers: ClinVar variation 1332616 (VCV001332616.11), dbSNP rs748853790, ClinGen allele CA353100113.

ClinVar aggregate classification (germline): Uncertain significance. Review status: criteria provided, multiple submitters, no conflicts (2 of 4 stars). 3 submissions from 3 submitters: Uncertain significance (3). Last evaluated 2024-10-16.

Conditions:
Hereditary cancer-predisposing syndrome. Also called: Tumor predisposition; Hereditary Cancer Syndrome; Neoplastic Syndromes, Hereditary; Hereditary neoplastic syndrome. Identifiers: Orphanet 140162, MedGen C0027672, MeSH D009386, MONDO:0015356.
BAP1-related tumor predisposition syndrome (TPDS1). Also called: Tumor susceptibility linked to germline BAP1 mutations; BAP1 tumor predisposition syndrome; COMMON Syndrome; TUMOR PREDISPOSITION SYNDROME 1. Identifiers: Orphanet 289539, MedGen C3280492, MONDO:0013692, OMIM 614327.

Submissions (3):

Labcorp Genetics (formerly Invitae), Labcorp
Classification: Uncertain significance for BAP1-related tumor predisposition syndrome. Last evaluated: 2024-10-16. Review status: criteria provided, single submitter. Criteria: Invitae Variant Classification Sherloc (09022015). Collection method: clinical testing. Allele origin: germline.
Comment: This sequence change replaces arginine, which is basic and polar, with glycine, which is neutral and non-polar, at codon 548 of the BAP1 protein (p.Arg548Gly). This variant is not present in population databases (gnomAD no frequency). This variant has not been reported in the literature in individuals affected with BAP1-related conditions. ClinVar contains an entry for this variant (Variation ID: 1332616). Invitae Evidence Modeling of protein sequence and biophysical properties (such as structural, functional, and spatial information, amino acid conservation, physicochemical variation, residue mobility, and thermodynamic stability) indicates that this missense variant is not expected to disrupt BAP1 protein function with a negative predictive value of 80%. In summary, the available evidence is currently insufficient to determine the role of this variant in disease. Therefore, it has been classified as a Variant of Uncertain Significance.

Ambry Genetics
Classification: Uncertain significance for Hereditary cancer-predisposing syndrome. Last evaluated: 2024-07-16. Review status: criteria provided, single submitter. Criteria: Ambry Variant Classification Scheme 2023. Collection method: clinical testing. Allele origin: germline.
Comment: The p.R548G variant (also known as c.1642C>G), located in coding exon 13 of the BAP1 gene, results from a C to G substitution at nucleotide position 1642. The arginine at codon 548 is replaced by glycine, an amino acid with dissimilar properties. This amino acid position is highly conserved in available vertebrate species. In addition, this alteration is predicted to be deleterious by in silico analysis. Since supporting evidence is limited at this time, the clinical significance of this alteration remains unclear.

Color Diagnostics, LLC DBA Color Health
Classification: Uncertain significance for Hereditary cancer-predisposing syndrome. Last evaluated: 2024-03-06. Review status: criteria provided, single submitter. Criteria: ACMG Guidelines, 2015. Collection method: clinical testing. Allele origin: germline.
Comment: This missense variant replaces arginine with glycine at codon 548 of the BAP1 protein. Computational prediction suggests that this variant may not impact protein structure and function (internally defined REVEL score threshold <= 0.5, PMID: 27666373). To our knowledge, functional studies have not been reported for this variant. This variant has not been reported in individuals affected with hereditary cancer in the literature. This variant has not been identified in the general population by the Genome Aggregation Database (gnomAD). The available evidence is insufficient to determine the role of this variant in disease conclusively. Therefore, this variant is classified as a Variant of Uncertain Significance.